The following is an entry in ClinVar:

NM_006876.3(B4GAT1):c.777C>G (p.Ala259=)

Gene: B4GAT1 (beta-1,4-glucuronyltransferase 1; minus strand). Cytogenetic location: 11q13.2.
Variant type: single nucleotide variant.
Coding change: c.777C>G on transcript NM_006876.3 (MANE Select); coding-DNA position 777, C replaced by G.
Protein change: p.Ala259=; no amino-acid change (alanine 259 retained).
Molecular consequence: synonymous variant.
Genome position (GRCh38, 1-based): chr11:66,346,769, G>C on the plus strand (C>G on the coding strand, the complement: B4GAT1 is on the minus strand). VCF-style: chr11-66346769-G-C. GRCh37 (hg19) VCF-style: chr11-66114240-G-C.
Identifiers: ClinVar variation 515274 (VCV000515274.1), dbSNP rs1383485357, ClinGen allele CA475489060.

ClinVar aggregate classification (germline): Likely benign (1 of 4 stars; one submission).

Submission:

GeneDx
Classification: Likely benign. Last evaluated: 2018-02-06. Review status: criteria provided, single submitter. Criteria: GeneDx Variant Classification (06012015). Collection method: clinical testing. Allele origin: germline. Affected: yes.
Comment: This variant is considered likely benign or benign based on one or more of the following criteria: it is a conservative change, it occurs at a poorly conserved position in the protein, it is predicted to be benign by multiple in silico algorithms, and/or has population frequency not consistent with disease.